The following is an entry in ClinVar:

ClinVar aggregate classification (germline): Uncertain significance (1 of 4 stars; one submission).

Conditions:
Inborn genetic diseases. Identifiers: MedGen C0950123, MeSH D030342.

Submission:

Ambry Genetics
Classification: Uncertain significance for Inborn genetic diseases. Last evaluated: 2025-11-02. Review status: criteria provided, single submitter. Criteria: Ambry Variant Classification Scheme 2023. Collection method: clinical testing. Allele origin: germline.
Comment: The p.F1153Y variant (also known as c.3458T>A), located in coding exon 16 of the MECOM gene, results from a T to A substitution at nucleotide position 3458. The phenylalanine at codon 1153 is replaced by tyrosine, an amino acid with highly similar properties. This amino acid position is conserved. In addition, the in silico prediction for this alteration is inconclusive. Based on the available evidence, the clinical significance of this variant remains unclear.

NM_004991.4(MECOM):c.3458T>A (p.Phe1153Tyr)

Gene: MECOM (MDS1 and EVI1 complex locus; minus strand). Cytogenetic location: 3q26.2.
Variant type: single nucleotide variant.
Coding change: c.3458T>A on transcript NM_004991.4 (MANE Select); coding-DNA position 3458, T replaced by A.
Protein change: p.Phe1153Tyr; replaces phenylalanine 1153 with tyrosine.
Molecular consequence: missense variant.
Genome position (GRCh38, 1-based): chr3:169,089,127, A>T on the plus strand (T>A on the coding strand, the complement: MECOM is on the minus strand). VCF-style: chr3-169089127-A-T. GRCh37 (hg19) VCF-style: chr3-168806915-A-T.
Other names: c.3089T>A, p.Phe1030Tyr (NM_001105077.4); c.2894T>A, p.Phe965Tyr (NM_001105078.4, NM_001205194.2, NM_001366469.2 and 1 more transcripts); c.2870T>A, p.Phe957Tyr (NM_001163999.2, NM_001366470.2); c.2867T>A, p.Phe956Tyr (NM_001164000.2, NM_001366471.2, NM_001366472.2); c.3431T>A, p.Phe1144Tyr (NM_001366466.2); c.2897T>A, p.Phe966Tyr (NM_001366467.2, NM_001366468.2); c.2459T>A, p.Phe820Tyr (NM_001366473.2); c.1895T>A, p.Phe632Tyr (NM_001366474.2); short protein forms F1153Y, F820Y, F956Y, F957Y, F966Y, F1030Y, F1144Y, F965Y.
Identifiers: ClinVar variation 4624680 (VCV004624680.1).